The following is an entry in ClinVar:

NM_177977.3(HAP1):c.560C>A (p.Pro187His)

Gene: HAP1 (huntingtin associated protein 1; minus strand). Cytogenetic location: 17q21.2.
Variant type: single nucleotide variant.
Coding change: c.560C>A on transcript NM_177977.3 (MANE Select); coding-DNA position 560, C replaced by A.
Protein change: p.Pro187His; replaces proline 187 with histidine.
Molecular consequence: missense variant.
Genome position (GRCh38, 1-based): chr17:41,732,384, G>T on the plus strand (C>A on the coding strand, the complement: HAP1 is on the minus strand). VCF-style: chr17-41732384-G-T. GRCh37 (hg19) VCF-style: chr17-39888636-G-T.
Other names: c.584C>A, p.Pro195His (NM_001079870.1); c.560C>A, p.Pro187His (NM_001079871.1, NM_001367459.1, NM_001367460.1 and 2 more transcripts); short protein forms P187H, P195H.
Identifiers: ClinVar variation 3038606 (VCV003038606.2), dbSNP rs142535684, ClinGen allele CA8564742.
Genomic context (GRCh38, chr17:41,732,384, plus strand): 5'-GCAGTGTTCAGGTCCCTCTCTCTCTGCAGGACCATCCCATAGGTAACGCTCTCCCAGACA[G>T]GTGGGAGAAGCTGGGGGGGACACAGGGGTCAGAGAGAGGCTAGGCCCCTAAGAGAACCTT-3'
Protein context (NP_817084.2, residues 177-197): MLYLLEELLP[Pro187His]VWESVTYGMV

ClinVar aggregate classification (germline): Likely benign (0 of 4 stars; one submission).

Conditions:
HAP1-related disorder. Also called: HAP1-related condition.

Allele frequency attached by ClinVar (database versions not stated): ExAC 0.00101; ESP Exome Variant Server 0.00108; TOPMed 0.00113; gnomAD 0.00115; 1000 Genomes Project 0.00120; 1000 Genomes Project 30x 0.00141; gnomAD exomes 0.00206.
gnomAD v4.1: 3,150 of 1,613,968 alleles (0.2%); highest among the groups gnomAD compares: Non-Finnish European, 0.24%; 5 homozygotes.

Submission:

PreventionGenetics, part of Exact Sciences
Classification: Likely benign for HAP1-related condition. Last evaluated: 2022-02-04. Review status: no assertion criteria provided. Collection method: clinical testing. Allele origin: germline.
Comment: This variant is classified as likely benign based on ACMG/AMP sequence variant interpretation guidelines (Richards et al. 2015 PMID: 25741868, with internal and published modifications).